The following is an entry in ClinVar:

NM_024301.5(FKRP):c.955C>G (p.Leu319Val)

Gene: FKRP (fukutin related protein; plus strand). Cytogenetic location: 19q13.32.
Variant type: single nucleotide variant.
Coding change: c.955C>G on transcript NM_024301.5 (MANE Select); coding-DNA position 955, C replaced by G.
Protein change: p.Leu319Val; replaces leucine 319 with valine.
Molecular consequence: missense variant.
Genome position (GRCh38, 1-based): chr19:46,756,405, C>G. VCF-style: chr19-46756405-C-G. GRCh37 (hg19) VCF-style: chr19-47259662-C-G.
Other names: c.955C>G, p.Leu319Val (NM_001039885.3); short protein forms L319V.
Identifiers: ClinVar variation 4853773 (VCV004853773.1).
Genomic context (GRCh38, chr19:46,756,405, plus strand): 5'-ACCGTGGTGGGCGACACGCCCGCCTACCTCTACGAGGAGCGCTGGACGCCCCCCTGCTGC[C>G]TGCGCGCGCTGCGCGAGACCGCCCGCTATGTGGTGGGCGTGCTGGAGGCTGCGGGCGTGC-3'
Protein context (NP_077277.1, residues 309-329): YEERWTPPCC[Leu319Val]RALRETARYV

ClinVar aggregate classification (germline): Uncertain significance (1 of 4 stars; one submission).

gnomAD v4.1: 3 of 1,570,482 alleles (0.00019%); no homozygotes.

Submission:

Women's Health and Genetics/Laboratory Corporation of America, LabCorp
Classification: Uncertain significance. Last evaluated: 2026-05-20. Review status: criteria provided, single submitter. Criteria: LabCorp Variant Classification Summary - May 2015. Collection method: clinical testing. Allele origin: germline.
Comment: Variant summary: FKRP c.955C>G (p.Leu319Val) results in a conservative amino acid change in the encoded protein sequence. Algorithms developed to predict the effect of missense changes on protein structure and function are either unavailable or do not agree on the potential impact of this missense change. The variant allele was found at a frequency of 5.9e-06 in 168610 control chromosomes. The available data on variant occurrences in the general population are insufficient to allow any conclusion about variant significance. To our knowledge, no occurrence of c.955C>G in individuals affected with FKRP-related conditions and no experimental evidence demonstrating its impact on protein function have been reported. No submitters have cited clinical-significance assessments for this variant to ClinVar. Based on the evidence outlined above, the variant was classified as uncertain significance.